The following is an entry in ClinVar:

ClinVar aggregate classification (germline): Uncertain significance (1 of 4 stars; one submission).

Conditions:
Progressive sclerosing poliodystrophy (MTDPS4A). Also called: ALPERS PROGRESSIVE INFANTILE POLIODYSTROPHY; NEURONAL DEGENERATION OF CHILDHOOD WITH LIVER DISEASE, PROGRESSIVE; Mitochondrial DNA Depletion Syndrome 4A; Alpers Syndrome; ALPERS DIFFUSE DEGENERATION OF CEREBRAL GRAY MATTER WITH HEPATIC CIRRHOSIS; Alpers-Huttenlocher Syndrome. Identifiers: Orphanet 726, MedGen C0205710, MONDO:0008758, OMIM 203700.

Submission:

Labcorp Genetics (formerly Invitae), Labcorp
Classification: Uncertain significance for Progressive sclerosing poliodystrophy. Last evaluated: 2025-05-20. Review status: criteria provided, single submitter. Criteria: Invitae Variant Classification Sherloc (09022015). Collection method: clinical testing. Allele origin: germline.
Comment: This sequence change replaces glutamine, which is neutral and polar, with glutamic acid, which is acidic and polar, at codon 54 of the POLG protein (p.Gln54Glu). This variant is not present in population databases (gnomAD no frequency). This variant has not been reported in the literature in individuals affected with POLG-related conditions. Invitae Evidence Modeling of protein sequence and biophysical properties (such as structural, functional, and spatial information, amino acid conservation, physicochemical variation, residue mobility, and thermodynamic stability) indicates that this missense variant is not expected to disrupt POLG protein function with a negative predictive value of 95%. In summary, the available evidence is currently insufficient to determine the role of this variant in disease. Therefore, it has been classified as a Variant of Uncertain Significance.

NM_002693.3(POLG):c.160C>G (p.Gln54Glu)

Genes: POLG (DNA polymerase gamma, catalytic subunit; minus strand), POLGARF (POLG alternative reading frame; minus strand). Cytogenetic location: 15q26.1.
Variant type: single nucleotide variant.
Coding change: c.160C>G on transcript NM_002693.3 (MANE Select); coding-DNA position 160, C replaced by G.
Protein change: p.Gln54Glu; replaces glutamine 54 with glutamic acid.
Molecular consequence: missense variant.
Genome position (GRCh38, 1-based): chr15:89,333,595, G>C on the plus strand (C>G on the coding strand, the complement: POLG is on the minus strand). VCF-style: chr15-89333595-G-C. GRCh37 (hg19) VCF-style: chr15-89876826-G-C.
Other names: c.215C>G, p.Thr72Arg (NM_001430120.1); c.160C>G, p.Gln54Glu (NM_001126131.2); short protein forms Q54E, T72R.
Identifiers: ClinVar variation 4802425 (VCV004802425.1).